The following is an entry in ClinVar:

ClinVar aggregate classification (germline): Uncertain significance (1 of 4 stars; one submission).

Conditions:
Inborn genetic diseases. Identifiers: MedGen C0950123, MeSH D030342.

Submission:

Ambry Genetics
Classification: Uncertain significance for Inborn genetic diseases. Last evaluated: 2022-08-13. Review status: criteria provided, single submitter. Criteria: Ambry Variant Classification Scheme 2023. Collection method: clinical testing. Allele origin: germline.
Comment: The p.C25S variant (also known as c.74G>C), located in coding exon 2 of the EPAS1 gene, results from a G to C substitution at nucleotide position 74. The cysteine at codon 25 is replaced by serine, an amino acid with dissimilar properties. This amino acid position is conserved. In addition, this alteration is predicted to be tolerated by in silico analysis. Since supporting evidence is limited at this time, the clinical significance of this alteration remains unclear.

NM_001430.5(EPAS1):c.74G>C (p.Cys25Ser)

Gene: EPAS1 (endothelial PAS domain protein 1; plus strand). Cytogenetic location: 2p21.
Variant type: single nucleotide variant.
Coding change: c.74G>C on transcript NM_001430.5 (MANE Select); coding-DNA position 74, G replaced by C.
Protein change: p.Cys25Ser; replaces cysteine 25 with serine.
Molecular consequence: missense variant.
Genome position (GRCh38, 1-based): chr2:46,346,920, G>C. VCF-style: chr2-46346920-G-C. GRCh37 (hg19) VCF-style: chr2-46574059-G-C.
Other names: short protein forms C25S.
Identifiers: ClinVar variation 1759211 (VCV001759211.2), dbSNP rs2103616148, ClinGen allele CA346696934.